The following is an entry in ClinVar:

ClinVar aggregate classification (germline): Uncertain significance. Review status: criteria provided, multiple submitters, no conflicts (2 of 4 stars). 3 submissions from 3 submitters: Uncertain significance (3). Last evaluated 2025-07-18.

Conditions:
Sessile serrated polyposis cancer syndrome (SSPCS). Identifiers: Orphanet 157798, MedGen C4310714, MONDO:0014919, OMIM 617108.

Allele frequency attached by ClinVar (database versions not stated): gnomAD exomes below 0.00001; TOPMed below 0.00001; gnomAD 0.00001.
gnomAD v4.1: 10 of 1,612,908 alleles (0.00062%); highest among the groups gnomAD compares: Non-Finnish European, 0.00051%; no homozygotes.

Submissions (3):

Ambry Genetics
Classification: Uncertain significance. Last evaluated: 2025-07-18. Review status: criteria provided, single submitter. Criteria: Ambry Variant Classification Scheme 2023. Collection method: clinical testing. Allele origin: germline.
Comment: The p.H547R variant (also known as c.1640A>G), located in coding exon 8 of the RNF43 gene, results from an A to G substitution at nucleotide position 1640. The histidine at codon 547 is replaced by arginine, an amino acid with highly similar properties. This amino acid position is highly conserved in available vertebrate species. In addition, this alteration is predicted to be tolerated by in silico analysis. The evidence for this gene-disease relationship is limited; therefore, the clinical significance of this alteration is unclear.

Labcorp Genetics (formerly Invitae), Labcorp
Classification: Uncertain significance. Last evaluated: 2024-06-23. Review status: criteria provided, single submitter. Criteria: Invitae Variant Classification Sherloc (09022015). Collection method: clinical testing. Allele origin: germline.
Comment: This sequence change replaces histidine, which is basic and polar, with arginine, which is basic and polar, at codon 547 of the RNF43 protein (p.His547Arg). This variant is not present in population databases (gnomAD no frequency). This variant has not been reported in the literature in individuals affected with RNF43-related conditions. An algorithm developed to predict the effect of missense changes on protein structure and function (PolyPhen-2) suggests that this variant is likely to be disruptive. In summary, the available evidence is currently insufficient to determine the role of this variant in disease. Therefore, it has been classified as a Variant of Uncertain Significance.

Baylor Genetics
Classification: Uncertain significance for Sessile serrated polyposis cancer syndrome. Last evaluated: 2024-03-25. Review status: criteria provided, single submitter. Criteria: ACMG Guidelines, 2015. Collection method: clinical testing. Allele origin: unknown.

NM_017763.6(RNF43):c.1640A>G (p.His547Arg)

Gene: RNF43 (ring finger protein 43; minus strand). Cytogenetic location: 17q22.
Variant type: single nucleotide variant.
Coding change: c.1640A>G on transcript NM_017763.6 (MANE Select); coding-DNA position 1640, A replaced by G.
Protein change: p.His547Arg; replaces histidine 547 with arginine.
Molecular consequence: missense variant.
Genome position (GRCh38, 1-based): chr17:58,358,136, T>C on the plus strand (A>G on the coding strand, the complement: RNF43 is on the minus strand). VCF-style: chr17-58358136-T-C. GRCh37 (hg19) VCF-style: chr17-56435497-T-C.
Other names: c.1640A>G, p.His547Arg (NM_001305544.3); c.1259A>G, p.His420Arg (NM_001305545.2); c.1640A>G (NM_017763.4); short protein forms H420R, H547R.
Identifiers: ClinVar variation 1057388 (VCV001057388.11), dbSNP rs1234925905, ClinGen allele CA400329021.
Genomic context (GRCh38, chr17:58,358,136, plus strand): 5'-CTGCCATGCCACTGGAACCGCTTTTTGTAGTGGTGGTGCCGGTGGCGGTGGTAGTGGACA[T>C]GGCTGGAAACCTGGGTTTCCCCTGTGGGCACCACCGAGTCCAAGGAACGAGGCCGAGAGG-3'
Protein context (NP_060233.3, residues 537-557): VPTGETQVSS[His547Arg]VHYHRHRHHH